The following is an entry in ClinVar:

NM_001040716.2(PC):c.89G>A (p.Arg30Gln)

Gene: PC (pyruvate carboxylase; minus strand). Cytogenetic location: 11q13.2.
Variant type: single nucleotide variant.
Coding change: c.89G>A on transcript NM_001040716.2 (MANE Select); coding-DNA position 89, G replaced by A.
Protein change: p.Arg30Gln; replaces arginine 30 with glutamine.
Molecular consequence: missense variant.
Genome position (GRCh38, 1-based): chr11:66,872,071, C>T on the plus strand (G>A on the coding strand, the complement: PC is on the minus strand). VCF-style: chr11-66872071-C-T. GRCh37 (hg19) VCF-style: chr11-66639542-C-T.
Other names: p.R30Q:CGG>CAG; c.89G>A, p.Arg30Gln (NM_000920.4, NM_022172.3); short protein forms R30Q.
Identifiers: ClinVar variation 203907 (VCV000203907.51), dbSNP rs199616332, ClinGen allele CA312881.

ClinVar aggregate classification (germline): Conflicting classifications of pathogenicity. Review status: criteria provided, conflicting classifications (1 of 4 stars). 6 submissions from 6 submitters: Uncertain significance (5); Likely benign (1). Last evaluated 2026-10-21.

Conditions:
Inborn genetic diseases. Identifiers: MedGen C0950123, MeSH D030342.
Pyruvate carboxylase deficiency. Also called: Pyruvate Carboxylase Deficiency Disease; ATAXIA WITH LACTIC ACIDOSIS II; PC DEFICIENCY; LEIGH NECROTIZING ENCEPHALOPATHY DUE TO PYRUVATE CARBOXYLASE DEFICIENCY; LEIGH SYNDROME DUE TO PYRUVATE CARBOXYLASE DEFICIENCY. Identifiers: Orphanet 3008, MedGen C0034341, MONDO:0009949, OMIM 266150.

Allele frequency attached by ClinVar (database versions not stated): ESP Exome Variant Server 0.00008; TOPMed 0.00018; gnomAD 0.00019; gnomAD exomes 0.00020 and 0.00029; ExAC 0.00042.
gnomAD v4.1: 307 of 1,566,094 alleles (0.02%); highest among the groups gnomAD compares: South Asian, 0.066%; 3 homozygotes.

Submissions (6):

GeneDx
Classification: Uncertain significance. Last evaluated: 2026-10-21. Review status: criteria provided, single submitter. Criteria: GeneDx Variant Classification Process June 2021. Collection method: clinical testing. Allele origin: germline.
Comment: Has not been previously published as pathogenic or benign to our knowledge; In silico analysis suggests that this missense variant does not alter protein structure/function

Ambry Genetics
Classification: Uncertain significance for Inborn genetic diseases. Last evaluated: 2026-02-10. Review status: criteria provided, single submitter. Criteria: Ambry Variant Classification Scheme 2023. Collection method: clinical testing. Allele origin: germline.
Comment: The c.89G>A (p.R30Q) alteration is located in exon 3 (coding exon 1) of the PC gene. This alteration results from a G to A substitution at nucleotide position 89, causing the arginine (R) at amino acid position 30 to be replaced by a glutamine (Q). Based on data from gnomAD, the A allele has an overall frequency of 0.027% (55/206630) total alleles studied. The highest observed frequency was 0.075% (18/23888) of South Asian alleles. Based on insufficient or conflicting evidence, the clinical significance of this alteration remains unclear.

Labcorp Genetics (formerly Invitae), Labcorp
Classification: Likely benign for Pyruvate carboxylase deficiency. Last evaluated: 2026-01-26. Review status: criteria provided, single submitter. Criteria: Invitae Variant Classification Sherloc (09022015). Collection method: clinical testing. Allele origin: germline.

Blueprint Genetics
Classification: Uncertain significance. Last evaluated: 2024-11-08. Review status: criteria provided, single submitter. Criteria: ACMG Guidelines, 2015. Collection method: clinical testing. Allele origin: germline.

CeGaT Center for Human Genetics Tuebingen
Classification: Uncertain significance. Last evaluated: 2022-01-01. Review status: criteria provided, single submitter. Criteria: CeGaT Center For Human Genetics Tuebingen Variant Classification Criteria Version 2. Collection method: clinical testing. Allele origin: germline. Affected: yes. Observed: 1 variant allele.

Illumina Laboratory Services, Illumina
Classification: Uncertain significance for Pyruvate carboxylase deficiency. Last evaluated: 2018-01-13. Review status: criteria provided, single submitter. Criteria: ICSL Variant Classification Criteria 13 December 2019. Collection method: clinical testing. Allele origin: germline.